The following is an entry in ClinVar:

ClinVar aggregate classification (germline): Uncertain significance (1 of 4 stars; one submission).

Conditions:
Pitt-Hopkins-like syndrome 2 (PTHSL2). Identifiers: Orphanet 221150, Orphanet 600663, MedGen C3280479, MONDO:0013690, OMIM 614325.

gnomAD v4.1: 4 of 1,614,016 alleles (0.00025%); highest among the groups gnomAD compares: Non-Finnish European, 0.00034%; no homozygotes.

Submission:

Labcorp Genetics (formerly Invitae), Labcorp
Classification: Uncertain significance for Pitt-Hopkins-like syndrome 2. Last evaluated: 2025-12-30. Review status: criteria provided, single submitter. Criteria: Invitae Variant Classification Sherloc (09022015). Collection method: clinical testing. Allele origin: germline.
Comment: This sequence change replaces threonine, which is neutral and polar, with alanine, which is neutral and non-polar, at codon 1400 of the NRXN1 protein (p.Thr1400Ala). This variant is not present in population databases (gnomAD no frequency). This variant has not been reported in the literature in individuals affected with NRXN1-related conditions. ClinVar contains an entry for this variant (Variation ID: 1366055). Invitae Evidence Modeling of protein sequence and biophysical properties (such as structural, functional, and spatial information, amino acid conservation, physicochemical variation, residue mobility, and thermodynamic stability) indicates that this missense variant is not expected to disrupt NRXN1 protein function with a negative predictive value of 80%. In summary, the available evidence is currently insufficient to determine the role of this variant in disease. Therefore, it has been classified as a Variant of Uncertain Significance.

NM_001330078.2(NRXN1):c.4078A>G (p.Thr1360Ala)

Gene: NRXN1 (neurexin 1; minus strand). Cytogenetic location: 2p16.3.
Variant type: single nucleotide variant.
Coding change: c.4078A>G on transcript NM_001330078.2 (MANE Select); coding-DNA position 4078, A replaced by G.
Protein change: p.Thr1360Ala; replaces threonine 1360 with alanine.
Molecular consequence: missense variant.
Genome position (GRCh38, 1-based): chr2:50,053,321, T>C on the plus strand (A>G on the coding strand, the complement: NRXN1 is on the minus strand). VCF-style: chr2-50053321-T-C. GRCh37 (hg19) VCF-style: chr2-50280459-T-C.
Other names: c.4198A>G, p.Thr1400Ala (NM_001135659.3); c.4054A>G, p.Thr1352Ala (NM_001330077.2, NM_001330082.2); c.3922A>G, p.Thr1308Ala (NM_001330083.2); c.4012A>G, p.Thr1338Ala (NM_001330084.2); c.4051A>G, p.Thr1351Ala (NM_001330085.2); c.4078A>G, p.Thr1360Ala (NM_001330086.2); c.3877A>G, p.Thr1293Ala (NM_001330087.2, NM_001330096.2); c.3907A>G, p.Thr1303Ala (NM_001330088.2); and 6 more; short protein forms T1308A, T1330A, T1352A, T1400A, T1303A, T1356A, T1359A, T295A.
Identifiers: ClinVar variation 1366055 (VCV001366055.8), dbSNP rs1693036341, ClinGen allele CA346819440.
Genomic context (GRCh38, chr2:50,053,321, plus strand): 5'-ACAGGCTCACCTGGCTAATGGGTTCTTTTGTCGGGGGCTTTCCTCTTCTGGCTGTGCTAG[T>C]AGCCAGGGTCGTGGTAGTCTCCATAATTGATGTGGACATCTCTGATTGCATGGCAGTGGC-3'
Protein context (NP_001317007.1, residues 1350-1370): SIMETTTTLA[Thr1360Ala]STARRGKPPT